The following is an entry in ClinVar:

NM_153700.2(STRC):c.2761_2762delinsC (p.Asp921fs)

Gene: STRC (stereocilin; minus strand). Cytogenetic location: 15q15.3.
Variant type: Indel.
Coding change: c.2761_2762delinsC on transcript NM_153700.2 (MANE Select); coding-DNA positions 2761 to 2762, GA replaced by C.
Protein change: p.Asp921fs; shifts the reading frame from aspartic acid 921.
Molecular consequence: frameshift variant.
Genome position (GRCh38, 1-based): chr15:43,612,812-43,612,813, TC replaced by G on the plus strand (GA replaced by C on the coding strand, the reverse complement: STRC is on the minus strand). VCF-style: chr15-43612812-TC-G. GRCh37 (hg19) VCF-style: chr15-43905010-TC-G.
Other names: short protein forms D921fs.
Identifiers: ClinVar variation 2630993 (VCV002630993.2), dbSNP rs2507593936, ClinGen allele CA2695197274.

ClinVar aggregate classification (germline): Likely pathogenic (1 of 4 stars; one submission).

Conditions:
STRC-related disorder. Also called: STRC-related condition.

Submission:

PreventionGenetics, part of Exact Sciences
Classification: Likely pathogenic for STRC-related condition. Last evaluated: 2024-12-19. Review status: criteria provided, single submitter. Criteria: ACMG Guidelines, 2015. Collection method: clinical testing. Allele origin: germline.
Comment: The STRC c.2761_2762delinsC variant is predicted to result in a frameshift and premature protein termination (p.Asp921Leufs*16). To our knowledge, this variant has not been reported in the literature or in a large population database, indicating this variant is rare. Frameshift variants in STRC are expected to be pathogenic. This variant is interpreted as likely pathogenic.